The following is an entry in ClinVar:

ClinVar aggregate classification (germline): Uncertain significance (0 of 4 stars; one submission).

Conditions:
SH2B1-related disorder. Also called: SH2B1-related condition.

Submission:

PreventionGenetics, part of Exact Sciences
Classification: Uncertain significance for SH2B1-related condition. Last evaluated: 2023-12-01. Review status: no assertion criteria provided. Collection method: clinical testing. Allele origin: germline.
Comment: The SH2B1 c.2024C>T variant is predicted to result in the amino acid substitution p.Ser675Leu. To our knowledge, this variant has not been reported in the literature or in a large population database, indicating this variant is rare. At this time, the clinical significance of this variant is uncertain due to the absence of conclusive functional and genetic evidence.

NM_001387430.1(SH2B1):c.1898-204C>T

Gene: SH2B1 (SH2B adaptor protein 1; plus strand). Cytogenetic location: 16p11.2.
Variant type: single nucleotide variant.
Coding change: c.1898-204C>T on transcript NM_001387430.1 (MANE Select); 204 bases into the intron before coding-DNA position 1898, C replaced by T.
Molecular consequence: intron variant. On other transcripts: synonymous variant (4), missense variant (1).
Genome position (GRCh38, 1-based): chr16:28,873,243, C>T. VCF-style: chr16-28873243-C-T. GRCh37 (hg19) VCF-style: chr16-28884564-C-T.
Other names: c.1971C>T, p.Leu657= (NM_001145796.2, NM_001145812.2, NM_015503.3); c.2024C>T, p.Ser675Leu (NM_001145797.2); c.963C>T, p.Leu321= (NM_001308294.2); c.1898-204C>T (NM_001308293.2, NM_001387404.1, NM_001145795.2); short protein forms S675L.
Identifiers: ClinVar variation 3355420 (VCV003355420.1).